The following is an entry in ClinVar:

NM_000540.3(RYR1):c.8655G>C (p.Thr2885=)

Gene: RYR1 (ryanodine receptor 1; plus strand). Cytogenetic location: 19q13.2.
Variant type: single nucleotide variant.
Coding change: c.8655G>C on transcript NM_000540.3 (MANE Select); coding-DNA position 8655, G replaced by C.
Protein change: p.Thr2885=; no amino-acid change (threonine 2885 retained).
Molecular consequence: synonymous variant.
Genome position (GRCh38, 1-based): chr19:38,506,509, G>C. VCF-style: chr19-38506509-G-C. GRCh37 (hg19) VCF-style: chr19-38997149-G-C.
Other names: c.8655G>C, p.Thr2885= (NM_001042723.2).
Identifiers: ClinVar variation 2170425 (VCV002170425.5), dbSNP rs1970457923, ClinGen allele CA507245339.
Genomic context (GRCh38, chr19:38,506,509, plus strand): 5'-TTGACTCTGCATCCACTCCCAGGCCATGGCAGAACAACTGGCAGAAAATTACCACAACAC[G>C]TGGGGACGGAAGAAGAAGCAGGAGCTGGAAGCCAAAGGTGAGGGCGCCCATGCCGCCCCC-3'
Protein context (NP_000531.2, residues 2875-2895): AEQLAENYHN[Thr2885=]WGRKKKQELE

ClinVar aggregate classification (germline): Likely benign. Review status: criteria provided, multiple submitters, no conflicts (2 of 4 stars). 2 submissions from 2 submitters: Likely benign (2). Last evaluated 2023-08-15.

Conditions:
RYR1-related disorder. Also called: RYR1-related condition; RYR1-related disorders. Identifiers: MedGen CN239331.
Malignant hyperthermia, susceptibility to, 1 (MHS1). Also called: RYR1-Related Malignant Hyperthermia Susceptibility; Malignant hyperthermia suceptibility 1; Anesthesia related hyperthermia; Malignant hyperpyrexia; Fulminating hyperpyrexia; Pharmacogenic myopathy. Identifiers: Orphanet 423, MedGen C2930980, MONDO:0007783, OMIM 145600.

gnomAD v4.1: 5 of 1,614,062 alleles (0.00031%); highest among the groups gnomAD compares: Non-Finnish European, 0.00042%; no homozygotes.

Submissions (2):

All of Us Research Program, National Institutes of Health
Classification: Likely benign for Malignant hyperthermia, susceptibility to, 1. Last evaluated: 2023-08-15. Review status: criteria provided, single submitter. Criteria: ACMG Guidelines, 2015. Collection method: clinical testing. Allele origin: germline. Inheritance: Autosomal dominant inheritance. Observed: 1 variant allele, 1 heterozygote.
Comment: This study involves interpretation of variants in research participants for the purpose of population health screening. Participant phenotype was not available at the time of variant classification. Additional details can be found in publication PMID: 35346344, PMCID: PMC8962531

Labcorp Genetics (formerly Invitae), Labcorp
Classification: Likely benign for RYR1-related disorder. Last evaluated: 2022-02-21. Review status: criteria provided, single submitter. Criteria: Invitae Variant Classification Sherloc (09022015). Collection method: clinical testing. Allele origin: germline.